The following is an entry in ClinVar:

ClinVar aggregate classification (germline): Uncertain significance (1 of 4 stars; one submission).

Conditions:
Oligodontia-cancer predisposition syndrome. Also called: TOOTH AGENESIS-COLORECTAL CANCER SYNDROME. Identifiers: Orphanet 300576, MedGen C1837750, MONDO:0012075, OMIM 608615. Disease mechanism: loss of function.

Submission:

Labcorp Genetics (formerly Invitae), Labcorp
Classification: Uncertain significance for Oligodontia-cancer predisposition syndrome. Last evaluated: 2024-01-27. Review status: criteria provided, single submitter. Criteria: Invitae Variant Classification Sherloc (09022015). Collection method: clinical testing. Allele origin: germline.
Comment: This sequence change replaces serine, which is neutral and polar, with arginine, which is basic and polar, at codon 658 of the AXIN2 protein (p.Ser658Arg). This variant is not present in population databases (gnomAD no frequency). This variant has not been reported in the literature in individuals affected with AXIN2-related conditions. Advanced modeling of protein sequence and biophysical properties (such as structural, functional, and spatial information, amino acid conservation, physicochemical variation, residue mobility, and thermodynamic stability) performed at Invitae indicates that this missense variant is not expected to disrupt AXIN2 protein function with a negative predictive value of 80%. In summary, the available evidence is currently insufficient to determine the role of this variant in disease. Therefore, it has been classified as a Variant of Uncertain Significance.

NM_004655.4(AXIN2):c.1972A>C (p.Ser658Arg)

Gene: AXIN2 (axin 2; minus strand). Cytogenetic location: 17q24.1.
Variant type: single nucleotide variant.
Coding change: c.1972A>C on transcript NM_004655.4 (MANE Select); coding-DNA position 1972, A replaced by C.
Protein change: p.Ser658Arg; replaces serine 658 with arginine.
Molecular consequence: missense variant.
Genome position (GRCh38, 1-based): chr17:65,536,489, T>G on the plus strand (A>C on the coding strand, the complement: AXIN2 is on the minus strand). VCF-style: chr17-65536489-T-G. GRCh37 (hg19) VCF-style: chr17-63532607-T-G.
Other names: c.1777A>C, p.Ser593Arg (NM_001363813.1); short protein forms S658R, S593R.
Identifiers: ClinVar variation 2713406 (VCV002713406.3), dbSNP rs1567754376, ClinGen allele CA400676233.